The following is an entry in ClinVar:

ClinVar aggregate classification (germline): Uncertain significance. Review status: criteria provided, multiple submitters, no conflicts (2 of 4 stars). 5 submissions from 5 submitters: Uncertain significance (5). Last evaluated 2024-11-02.

Conditions:
CYP27A1-related disorder. Also called: CYP27A1-related condition.
Cardiovascular phenotype. Identifiers: MedGen CN230736.
Cholestanol storage disease (CTX). Also called: Cerebrotendinous Xanthomatosis; CTX: Cerebrotendinous xanthomatosis; CEREBRAL CHOLESTERINOSIS. Identifiers: Orphanet 909, MedGen C0238052, MONDO:0008948, OMIM 213700.

Allele frequency attached by ClinVar (database versions not stated): gnomAD 0.00003 and 0.00004; ExAC 0.00006; gnomAD exomes 0.00007; TOPMed 0.00007; ESP Exome Variant Server 0.00008; 1000 Genomes Project 30x 0.00016; 1000 Genomes Project 0.00020.
gnomAD v4.1: 113 of 1,614,116 alleles (0.007%); highest among the groups gnomAD compares: Middle Eastern, 0.033%; no homozygotes.

Submissions (5):

Labcorp Genetics (formerly Invitae), Labcorp
Classification: Uncertain significance for Cholestanol storage disease. Last evaluated: 2024-11-02. Review status: criteria provided, single submitter. Criteria: Invitae Variant Classification Sherloc (09022015). Collection method: clinical testing. Allele origin: germline.
Comment: This sequence change replaces arginine, which is basic and polar, with tryptophan, which is neutral and slightly polar, at codon 323 of the CYP27A1 protein (p.Arg323Trp). This variant is present in population databases (rs371603253, gnomAD 0.02%). This variant has not been reported in the literature in individuals affected with CYP27A1-related conditions. ClinVar contains an entry for this variant (Variation ID: 594005). Invitae Evidence Modeling of protein sequence and biophysical properties (such as structural, functional, and spatial information, amino acid conservation, physicochemical variation, residue mobility, and thermodynamic stability) has been performed for this missense variant. However, the output from this modeling did not meet the statistical confidence thresholds required to predict the impact of this variant on CYP27A1 protein function. In summary, the available evidence is currently insufficient to determine the role of this variant in disease. Therefore, it has been classified as a Variant of Uncertain Significance.

Ambry Genetics
Classification: Uncertain significance for Cardiovascular phenotype. Last evaluated: 2024-10-21. Review status: criteria provided, single submitter. Criteria: Ambry Variant Classification Scheme 2023. Collection method: clinical testing. Allele origin: germline.

PreventionGenetics, part of Exact Sciences
Classification: Uncertain significance for CYP27A1-related condition. Last evaluated: 2023-03-14. Review status: criteria provided, single submitter. Criteria: ACMG Guidelines, 2015. Collection method: clinical testing. Allele origin: germline.
Comment: The CYP27A1 c.967C>T variant is predicted to result in the amino acid substitution p.Arg323Trp. To our knowledge, this variant has not been reported in the literature or in a large population database, indicating this variant is rare. At this time, the clinical significance of this variant is uncertain due to the absence of conclusive functional and genetic evidence.

Eurofins Ntd Llc (ga)
Classification: Uncertain significance. Last evaluated: 2017-09-07. Review status: criteria provided, single submitter. Criteria: EGL Classification Definitions 2015. Collection method: clinical testing. Allele origin: germline. Observed: 1 variant allele, 1 heterozygote.

Breakthrough Genomics
Classification: Uncertain significance. Review status: criteria provided, single submitter. Criteria: ACMG Guidelines, 2015. Collection method: not provided. Allele origin: germline. Inheritance: Autosomal recessive inheritance. Affected: yes.

NM_000784.4(CYP27A1):c.967C>T (p.Arg323Trp)

Gene: CYP27A1 (cytochrome P450 family 27 subfamily A member 1; plus strand). Cytogenetic location: 2q35.
Variant type: single nucleotide variant.
Coding change: c.967C>T on transcript NM_000784.4 (MANE Select); coding-DNA position 967, C replaced by T.
Protein change: p.Arg323Trp; replaces arginine 323 with tryptophan.
Molecular consequence: missense variant.
Genome position (GRCh38, 1-based): chr2:218,813,046, C>T. VCF-style: chr2-218813046-C-T. GRCh37 (hg19) VCF-style: chr2-219677769-C-T.
Other names: c.967C>T (NM_000784.3); short protein forms R323W.
Identifiers: ClinVar variation 594005 (VCV000594005.13), dbSNP rs371603253, ClinGen allele CA2112764.